The following is an entry in ClinVar:

NM_004706.4(ARHGEF1):c.17G>A (p.Arg6Gln)

Gene: ARHGEF1 (Rho guanine nucleotide exchange factor 1; plus strand). Cytogenetic location: 19q13.2.
Variant type: single nucleotide variant.
Coding change: c.17G>A on transcript NM_004706.4 (MANE Select); coding-DNA position 17, G replaced by A.
Protein change: p.Arg6Gln; replaces arginine 6 with glutamine.
Molecular consequence: missense variant. On other transcripts: non-coding transcript variant (2).
Genome position (GRCh38, 1-based): chr19:41,888,099, G>A. VCF-style: chr19-41888099-G-A. GRCh37 (hg19) VCF-style: chr19-42392170-G-A.
Other names: c.17G>A, p.Arg6Gln (NM_001396000.1, NM_001396002.1, NM_001396003.1 and 3 more transcripts); c.62G>A, p.Arg21Gln (NM_199002.2); short protein forms R21Q, R6Q.
Identifiers: ClinVar variation 2060852 (VCV002060852.4), dbSNP rs183598386, ClinGen allele CA9465741.

ClinVar aggregate classification (germline): Uncertain significance (1 of 4 stars; one submission).

Allele frequency attached by ClinVar (database versions not stated): ESP Exome Variant Server 0.00008; 1000 Genomes Project 30x 0.00016; 1000 Genomes Project 0.00020.
gnomAD v4.1: 54 of 1,613,740 alleles (0.0033%); highest among the groups gnomAD compares: East Asian, 0.036%; no homozygotes.

Submission:

Labcorp Genetics (formerly Invitae), Labcorp
Classification: Uncertain significance. Last evaluated: 2025-10-14. Review status: criteria provided, single submitter. Criteria: Invitae Variant Classification Sherloc (09022015). Collection method: clinical testing. Allele origin: germline.
Comment: This sequence change replaces arginine, which is basic and polar, with glutamine, which is neutral and polar, at codon 21 of the ARHGEF1 protein (p.Arg21Gln). This variant is present in population databases (rs183598386, gnomAD 0.03%). This variant has not been reported in the literature in individuals affected with ARHGEF1-related conditions. ClinVar contains an entry for this variant (Variation ID: 2060852). An algorithm developed to predict the effect of missense changes on protein structure and function (PolyPhen-2) suggests that this variant is likely to be tolerated. In summary, the available evidence is currently insufficient to determine the role of this variant in disease. Therefore, it has been classified as a Variant of Uncertain Significance.